The following is an entry in ClinVar:

ClinVar aggregate classification (germline): Uncertain significance. Review status: criteria provided, multiple submitters, no conflicts (2 of 4 stars). 5 submissions from 5 submitters: Uncertain significance (5). Last evaluated 2025-03-16.

Conditions:
Lethal congenital glycogen storage disease of heart. Also called: GLYCOGEN STORAGE DISEASE OF HEART; PHOSPHORYLASE KINASE DEFICIENCY OF HEART. Identifiers: Orphanet 439854, MedGen C1849813, MONDO:0009867, OMIM 261740.
Wolff-Parkinson-White pattern. Also called: WPW SYNDROME; Auriculoventricular accessory pathway syndrome; False bundle branch block syndrome; Anomalous ventricular excitation syndrome. Identifiers: MedGen C0043202, MONDO:0008685, OMIM 194200, HP:0001716.
Hypertrophic cardiomyopathy 6. Identifiers: MedGen C1833236, MONDO:0010946, OMIM 600858.
Cardiovascular phenotype. Identifiers: MedGen CN230736.
Cardiomyopathy (CMYO). Also called: Cardiomyopathies. Identifiers: Orphanet 167848, MedGen C0878544, MONDO:0004994, HP:0001638. Inheritance: Various modes of inheritance.
Hypertrophic cardiomyopathy. Also called: HYPERTROPHIC MYOCARDIOPATHY. Identifiers: Orphanet 217569, MedGen C0007194, MeSH D002312, MONDO:0005045, HP:0001639.

Allele frequency attached by ClinVar (database versions not stated): gnomAD 0.00001; gnomAD exomes 0.00001; TOPMed 0.00001; ExAC 0.00002.
gnomAD v4.1: 16 of 1,613,032 alleles (0.00099%); highest among the groups gnomAD compares: Non-Finnish European, 0.0013%; no homozygotes.

Submissions (5):

Labcorp Genetics (formerly Invitae), Labcorp
Classification: Uncertain significance for Lethal congenital glycogen storage disease of heart. Last evaluated: 2025-03-16. Review status: criteria provided, single submitter. Criteria: Invitae Variant Classification Sherloc (09022015). Collection method: clinical testing. Allele origin: germline.
Comment: This sequence change replaces serine, which is neutral and polar, with cysteine, which is neutral and slightly polar, at codon 413 of the PRKAG2 protein (p.Ser413Cys). This variant is present in population databases (rs758756757, gnomAD 0.003%). This variant has not been reported in the literature in individuals affected with PRKAG2-related conditions. ClinVar contains an entry for this variant (Variation ID: 919004). Invitae Evidence Modeling of protein sequence and biophysical properties (such as structural, functional, and spatial information, amino acid conservation, physicochemical variation, residue mobility, and thermodynamic stability) indicates that this missense variant is not expected to disrupt PRKAG2 protein function with a negative predictive value of 95%. In summary, the available evidence is currently insufficient to determine the role of this variant in disease. Therefore, it has been classified as a Variant of Uncertain Significance.

Color Diagnostics, LLC DBA Color Health
Classification: Uncertain significance for Cardiomyopathy. Last evaluated: 2024-07-16. Review status: criteria provided, single submitter. Criteria: ACMG Guidelines, 2015. Collection method: clinical testing. Allele origin: germline.
Comment: This missense variant replaces serine with cysteine at codon 413 of the PRKAG2 protein. Computational prediction tools indicate that this variant's impact on protein structure and function is inconclusive. To our knowledge, functional studies have not been reported for this variant. This variant has been reported in an individual affected with dilated cardiomyopathy (PMID: 37904629). This variant has been identified in 3/251480 chromosomes in the general population by the Genome Aggregation Database (gnomAD). The available evidence is insufficient to determine the role of this variant in disease conclusively. Therefore, this variant is classified as a Variant of Uncertain Significance.

All of Us Research Program, National Institutes of Health
Classification: Uncertain significance for Hypertrophic cardiomyopathy. Last evaluated: 2023-12-07. Review status: criteria provided, single submitter. Criteria: ACMG Guidelines, 2015. Collection method: clinical testing. Allele origin: germline. Inheritance: Autosomal dominant inheritance. Observed: 3 variant alleles, 3 heterozygotes.
Comment: This missense variant replaces serine with cysteine at codon 413 of the PRKAG2 protein. Computational prediction suggests that this variant may not impact protein structure and function (internally defined REVEL score threshold <= 0.5, PMID: 27666373). To our knowledge, functional studies have not been reported for this variant. This variant has not been reported in individuals affected with PRKAG2-related disorders in the literature. This variant has been identified in 3/251480 chromosomes in the general population by the Genome Aggregation Database (gnomAD). The available evidence is insufficient to determine the role of this variant in disease conclusively. Therefore, this variant is classified as a Variant of Uncertain Significance.

This study involves interpretation of variants in research participants for the purpose of population health screening. Participant phenotype was not available at the time of variant classification. Additional details can be found in publication PMID: 35346344, PMCID: PMC8962531

Ambry Genetics
Classification: Uncertain significance for Cardiovascular phenotype. Last evaluated: 2022-09-12. Review status: criteria provided, single submitter. Criteria: Ambry Variant Classification Scheme 2023. Collection method: clinical testing. Allele origin: germline.
Comment: The p.S413C variant (also known as c.1238C>G), located in coding exon 12 of the PRKAG2 gene, results from a C to G substitution at nucleotide position 1238. The serine at codon 413 is replaced by cysteine, an amino acid with dissimilar properties. This amino acid position is conserved. In addition, this alteration is predicted to be tolerated by in silico analysis. Since supporting evidence is limited at this time, the clinical significance of this alteration remains unclear.

Fulgent Genetics
Classification: Uncertain significance for Wolff-Parkinson-White pattern; Lethal congenital glycogen storage disease of heart; Hypertrophic cardiomyopathy 6. Last evaluated: 2021-08-24. Review status: criteria provided, single submitter. Criteria: ACMG Guidelines, 2015. Collection method: clinical testing. Allele origin: unknown.

Literature cited by the submitters: PubMed 37904629 (cited by Color Diagnostics, LLC DBA Color Health).

NM_016203.4(PRKAG2):c.1238C>G (p.Ser413Cys)

Gene: PRKAG2 (protein kinase AMP-activated non-catalytic subunit gamma 2; minus strand). Cytogenetic location: 7q36.1.
Variant type: single nucleotide variant.
Coding change: c.1238C>G on transcript NM_016203.4 (MANE Select); coding-DNA position 1238, C replaced by G.
Protein change: p.Ser413Cys; replaces serine 413 with cysteine.
Molecular consequence: missense variant.
Genome position (GRCh38, 1-based): chr7:151,565,881, G>C on the plus strand (C>G on the coding strand, the complement: PRKAG2 is on the minus strand). VCF-style: chr7-151565881-G-C. GRCh37 (hg19) VCF-style: chr7-151262967-G-C.
Other names: c.1106C>G, p.Ser369Cys (NM_001040633.2); c.863C>G, p.Ser288Cys (NM_001304527.2); c.515C>G, p.Ser172Cys (NM_001304531.2, NM_024429.2); c.866C>G, p.Ser289Cys (NM_001363698.2); c.1238C>G (NM_016203.3); short protein forms S172C, S369C, S288C, S289C, S413C.
Identifiers: ClinVar variation 919004 (VCV000919004.13), dbSNP rs758756757, ClinGen allele CA054597.